The following is an entry in ClinVar:

NM_020706.2(SCAF4):c.2748T>C (p.Val916=)

Gene: SCAF4 (SR-related CTD associated factor 4; minus strand). Cytogenetic location: 21q22.11.
Variant type: single nucleotide variant.
Coding change: c.2748T>C on transcript NM_020706.2 (MANE Select); coding-DNA position 2748, T replaced by C.
Protein change: p.Val916=; no amino-acid change (valine 916 retained).
Molecular consequence: synonymous variant.
Genome position (GRCh38, 1-based): chr21:31,672,095, A>G on the plus strand (T>C on the coding strand, the complement: SCAF4 is on the minus strand). VCF-style: chr21-31672095-A-G. GRCh37 (hg19) VCF-style: chr21-33044408-A-G.
Other names: c.2703T>C, p.Val901= (NM_001145444.1); c.2682T>C, p.Val894= (NM_001145445.1).
Identifiers: ClinVar variation 3038324 (VCV003038324.2), dbSNP rs73201506, ClinGen allele CA9999172.

ClinVar aggregate classification (germline): Benign (0 of 4 stars; one submission).

Conditions:
SCAF4-related disorder. Also called: SCAF4-related condition.

Allele frequency attached by ClinVar (database versions not stated): 1000 Genomes Project 30x 0.01562; 1000 Genomes Project 0.01657; TOPMed 0.02853; ESP Exome Variant Server 0.03330; gnomAD 0.03477; ExAC 0.03707; gnomAD exomes 0.04288.
gnomAD v4.1: 67,417 of 1,613,248 alleles (4.2%); highest among the groups gnomAD compares: Non-Finnish European, 4.7%; 1,723 homozygotes.

Submission:

PreventionGenetics, part of Exact Sciences
Classification: Benign for SCAF4-related condition. Last evaluated: 2021-10-22. Review status: no assertion criteria provided. Collection method: clinical testing. Allele origin: germline.
Comment: This variant is classified as benign based on ACMG/AMP sequence variant interpretation guidelines (Richards et al. 2015 PMID: 25741868, with internal and published modifications).